The following is an entry in ClinVar:

NM_016203.4(PRKAG2):c.181C>G (p.Arg61Gly)

Gene: PRKAG2 (protein kinase AMP-activated non-catalytic subunit gamma 2; minus strand). Cytogenetic location: 7q36.1.
Variant type: single nucleotide variant.
Coding change: c.181C>G on transcript NM_016203.4 (MANE Select); coding-DNA position 181, C replaced by G.
Protein change: p.Arg61Gly; replaces arginine 61 with glycine.
Molecular consequence: missense variant. On other transcripts: intron variant (1).
Genome position (GRCh38, 1-based): chr7:151,786,475, G>C on the plus strand (C>G on the coding strand, the complement: PRKAG2 is on the minus strand). VCF-style: chr7-151786475-G-C. GRCh37 (hg19) VCF-style: chr7-151483561-G-C.
Other names: c.49C>G, p.Arg17Gly (NM_001040633.2, NM_001407024.1, NM_001407026.1 and 2 more transcripts); c.181C>G, p.Arg61Gly (NM_001407021.1, NM_001407022.1, NM_001407023.1 and 2 more transcripts); c.148+27941C>G (NM_001407032.1); short protein forms R17G, R61G.
Identifiers: ClinVar variation 3387543 (VCV003387543.2).

ClinVar aggregate classification (germline): Uncertain significance. Review status: criteria provided, multiple submitters, no conflicts (2 of 4 stars). 2 submissions from 2 submitters: Uncertain significance (2). Last evaluated 2025-10-08.

Conditions:
Hypertrophic cardiomyopathy. Also called: HYPERTROPHIC MYOCARDIOPATHY. Identifiers: Orphanet 217569, MedGen C0007194, MeSH D002312, MONDO:0005045, HP:0001639.
Lethal congenital glycogen storage disease of heart. Also called: GLYCOGEN STORAGE DISEASE OF HEART; PHOSPHORYLASE KINASE DEFICIENCY OF HEART. Identifiers: Orphanet 439854, MedGen C1849813, MONDO:0009867, OMIM 261740.

Submissions (2):

Labcorp Genetics (formerly Invitae), Labcorp
Classification: Uncertain significance for Lethal congenital glycogen storage disease of heart. Last evaluated: 2025-10-08. Review status: criteria provided, single submitter. Criteria: Invitae Variant Classification Sherloc (09022015). Collection method: clinical testing. Allele origin: germline.
Comment: This sequence change replaces arginine, which is basic and polar, with glycine, which is neutral and non-polar, at codon 61 of the PRKAG2 protein (p.Arg61Gly). This variant is not present in population databases (gnomAD no frequency). This variant has not been reported in the literature in individuals affected with PRKAG2-related conditions. ClinVar contains an entry for this variant (Variation ID: 3387543). Invitae Evidence Modeling of protein sequence and biophysical properties (such as structural, functional, and spatial information, amino acid conservation, physicochemical variation, residue mobility, and thermodynamic stability) indicates that this missense variant is not expected to disrupt PRKAG2 protein function with a negative predictive value of 95%. In summary, the available evidence is currently insufficient to determine the role of this variant in disease. Therefore, it has been classified as a Variant of Uncertain Significance.

All of Us Research Program, National Institutes of Health
Classification: Uncertain significance for Hypertrophic cardiomyopathy. Last evaluated: 2024-02-22. Review status: criteria provided, single submitter. Criteria: ACMG Guidelines, 2015. Collection method: clinical testing. Allele origin: germline. Inheritance: Autosomal dominant inheritance. Observed: 1 variant allele, 1 heterozygote.
Comment: This missense variant replaces arginine with glycine at codon 61 of the PRKAG2 protein. Computational prediction suggests that this variant may not impact protein structure and function (internally defined REVEL score threshold <= 0.5, PMID: 27666373). To our knowledge, functional studies have not been reported for this variant. This variant has not been reported in individuals affected with PRKAG2-related disorders in the literature. This variant has not been identified in the general population by the Genome Aggregation Database (gnomAD). The available evidence is insufficient to determine the role of this variant in disease conclusively. Therefore, this variant is classified as a Variant of Uncertain Significance.

This study involves interpretation of variants in research participants for the purpose of population health screening. Participant phenotype was not available at the time of variant classification. Additional details can be found in publication PMID: 35346344, PMCID: PMC8962531